The following is an entry in ClinVar:

NM_000135.4(FANCA):c.2531C>T (p.Ser844Phe)

Gene: FANCA (FA complementation group A; minus strand). Cytogenetic location: 16q24.3.
Variant type: single nucleotide variant.
Coding change: c.2531C>T on transcript NM_000135.4 (MANE Select); coding-DNA position 2531, C replaced by T.
Protein change: p.Ser844Phe; replaces serine 844 with phenylalanine.
Molecular consequence: missense variant.
Genome position (GRCh38, 1-based): chr16:89,767,211, G>A on the plus strand (C>T on the coding strand, the complement: FANCA is on the minus strand). VCF-style: chr16-89767211-G-A. GRCh37 (hg19) VCF-style: chr16-89833619-G-A.
Other names: c.2531C>T, p.Ser844Phe (NM_001286167.3); short protein forms S844F.
Identifiers: ClinVar variation 5036367 (VCV005036367.1).

ClinVar aggregate classification (germline): Uncertain significance (1 of 4 stars; one submission).

Conditions:
Inborn genetic diseases. Identifiers: MedGen C0950123, MeSH D030342.

gnomAD v4.1: 1 of 1,613,464 alleles (0.000062%); highest among the groups gnomAD compares: African/African-American, 0.0013%; no homozygotes.

Submission:

Ambry Genetics
Classification: Uncertain significance for Inborn genetic diseases. Last evaluated: 2026-07-20. Review status: criteria provided, single submitter. Criteria: Ambry Variant Classification Scheme 2023. Collection method: clinical testing. Allele origin: germline.
Comment: The p.S844F variant (also known as c.2531C>T), located in coding exon 27 of the FANCA gene, results from a C to T substitution at nucleotide position 2531. The serine at codon 844 is replaced by phenylalanine, an amino acid with highly dissimilar properties. This amino acid position is conserved. In addition, the in silico prediction for this alteration is inconclusive. Based on the available evidence, the clinical significance of this variant remains unclear.